The following is an entry in ClinVar:

ClinVar aggregate classification (germline): Pathogenic. Review status: criteria provided, multiple submitters, no conflicts (2 of 4 stars). 3 submissions from 3 submitters: Pathogenic (2). 1 of the submissions does not count toward it. Last evaluated 2022-06-12.

Conditions:
Alstrom syndrome (ALMS). Identifiers: Orphanet 64, MedGen C0268425, MONDO:0008763, OMIM 203800.

Allele frequency attached by ClinVar (database versions not stated): TOPMed 0.00002; ESP Exome Variant Server 0.00008.
gnomAD v4.1: 2 of 1,612,248 alleles (0.00012%); highest among the groups gnomAD compares: African/African-American, 0.0027%; no homozygotes.

Submissions (3):

Labcorp Genetics (formerly Invitae), Labcorp
Classification: Pathogenic for Alstrom syndrome. Last evaluated: 2022-06-12. Review status: criteria provided, single submitter. Criteria: Invitae Variant Classification Sherloc (09022015). Collection method: clinical testing. Allele origin: germline.
Comment: This sequence change creates a premature translational stop signal (p.Gln3517*) in the ALMS1 gene. It is expected to result in an absent or disrupted protein product. Loss-of-function variants in ALMS1 are known to be pathogenic (PMID: 17594715). This variant is not present in population databases (gnomAD no frequency). For these reasons, this variant has been classified as Pathogenic. ClinVar contains an entry for this variant (Variation ID: 551455). This premature translational stop signal has been observed in individual(s) with Alström syndrome (PMID: 17594715, 32531870). In at least one individual the data is consistent with being in trans (on the opposite chromosome) from a pathogenic variant.

Fulgent Genetics
Classification: Pathogenic for Alstrom syndrome. Last evaluated: 2022-01-18. Review status: criteria provided, single submitter. Criteria: ACMG Guidelines, 2015. Collection method: clinical testing. Allele origin: unknown.

Counsyl
Classification: Likely pathogenic for Alstrom syndrome. Last evaluated: 2017-04-11. Review status: no assertion criteria provided. Collection method: clinical testing. Allele origin: unknown. Not counted in ClinVar's aggregate classification.

Literature cited by the submitters: PubMed 17594715 (cited by Labcorp Genetics (formerly Invitae), Labcorp and Counsyl); PubMed 32531870 (cited by Labcorp Genetics (formerly Invitae), Labcorp).

NM_001378454.1(ALMS1):c.10546C>T (p.Gln3516Ter)

Gene: ALMS1 (ALMS1 centrosome and basal body associated protein; plus strand). Cytogenetic location: 2p13.1.
Variant type: single nucleotide variant.
Coding change: c.10546C>T on transcript NM_001378454.1 (MANE Select); coding-DNA position 10546, C replaced by T.
Protein change: p.Gln3516Ter; replaces glutamine 3516 with a stop codon.
Molecular consequence: nonsense.
Genome position (GRCh38, 1-based): chr2:73,572,423, C>T. VCF-style: chr2-73572423-C-T. GRCh37 (hg19) VCF-style: chr2-73799550-C-T.
Other names: c.10549C>T, p.Gln3517Ter (NM_015120.4); short protein forms Q3517*, Q3516*.
Identifiers: ClinVar variation 551455 (VCV000551455.7), dbSNP rs375019820, ClinGen allele CA1715020.
Genomic context (GRCh38, chr2:73,572,423, plus strand): 5'-ATTTGCCATGAATCTTTGGGAAAGAGTGTTTTCATGAGACATTCTTGGAAAGATTTCTTT[C>T]AGCATCATCCAGACAAACATAGAGAACACATGTGTCTTCCTCTTCCTTATCAAAACATGG-3'